The following is an entry in ClinVar:

ClinVar aggregate classification (germline): Uncertain significance (1 of 4 stars; one submission).

Allele frequency attached by ClinVar (database versions not stated): gnomAD exomes below 0.00001.
gnomAD v4.1: 1 of 1,613,050 alleles (0.000062%); highest among the groups gnomAD compares: Non-Finnish European, 0.000085%; no homozygotes.

Submission:

Labcorp Genetics (formerly Invitae), Labcorp
Classification: Uncertain significance. Last evaluated: 2023-10-27. Review status: criteria provided, single submitter. Criteria: Invitae Variant Classification Sherloc (09022015). Collection method: clinical testing. Allele origin: germline.
Comment: This sequence change replaces histidine, which is basic and polar, with glutamine, which is neutral and polar, at codon 484 of the CFB protein (p.His484Gln). This variant is not present in population databases (gnomAD no frequency). This variant has not been reported in the literature in individuals affected with CFB-related conditions. Advanced modeling of protein sequence and biophysical properties (such as structural, functional, and spatial information, amino acid conservation, physicochemical variation, residue mobility, and thermodynamic stability) performed at Invitae indicates that this missense variant is not expected to disrupt CFB protein function with a negative predictive value of 80%. In summary, the available evidence is currently insufficient to determine the role of this variant in disease. Therefore, it has been classified as a Variant of Uncertain Significance.

NM_001710.6(CFB):c.1452C>G (p.His484Gln)

Gene: CFB (complement factor B; plus strand). Cytogenetic location: 6p21.33.
Variant type: single nucleotide variant.
Coding change: c.1452C>G on transcript NM_001710.6 (MANE Select); coding-DNA position 1452, C replaced by G.
Protein change: p.His484Gln; replaces histidine 484 with glutamine.
Molecular consequence: missense variant.
Genome position (GRCh38, 1-based): chr6:31,950,093, C>G. VCF-style: chr6-31950093-C-G. GRCh37 (hg19) VCF-style: chr6-31917870-C-G.
Other names: short protein forms H484Q.
Identifiers: ClinVar variation 2772099 (VCV002772099.3), dbSNP rs2482701274, ClinGen allele CA363405178.